The following is an entry in ClinVar:

NM_000059.4(BRCA2):c.5057T>A (p.Leu1686Ter)

Gene: BRCA2 (BRCA2 DNA repair associated; plus strand). Cytogenetic location: 13q13.1.
Variant type: single nucleotide variant.
Coding change: c.5057T>A on transcript NM_000059.4 (MANE Select); coding-DNA position 5057, T replaced by A.
Protein change: p.Leu1686Ter; replaces leucine 1686 with a stop codon.
Molecular consequence: nonsense.
Genome position (GRCh38, 1-based): chr13:32,339,412, T>A. VCF-style: chr13-32339412-T-A. GRCh37 (hg19) VCF-style: chr13-32913549-T-A.
Other names: short protein forms L1686*.
Identifiers: ClinVar variation 254547 (VCV000254547.2), dbSNP rs886038115, ClinGen allele CA10586533.

ClinVar aggregate classification (germline): Pathogenic (3 of 4 stars; one submission).

Conditions:
Breast-ovarian cancer, familial, susceptibility to, 2 (BROVCA2). Also called: BRCA2 Hereditary Breast and Ovarian Cancer. Identifiers: Orphanet 145, MedGen C2675520, MONDO:0012933, OMIM 612555. Disease mechanism: loss of function.

Submission:

Evidence-based Network for the Interpretation of Germline Mutant Alleles (ENIGMA)
Classification: Pathogenic for Breast-ovarian cancer, familial, susceptibility to, 2. Last evaluated: 2016-09-08. Review status: reviewed by expert panel. Criteria: ENIGMA BRCA1/2 Classification Criteria (2015). Collection method: curation. Allele origin: germline.
Comment: Variant allele predicted to encode a truncated non-functional protein.